The following is an entry in ClinVar:

NM_000094.4(COL7A1):c.8330G>A (p.Arg2777Gln)

Gene: COL7A1 (collagen type VII alpha 1 chain; minus strand). Cytogenetic location: 3p21.31.
Variant type: single nucleotide variant.
Coding change: c.8330G>A on transcript NM_000094.4 (MANE Select); coding-DNA position 8330, G replaced by A.
Protein change: p.Arg2777Gln; replaces arginine 2777 with glutamine.
Molecular consequence: missense variant.
Genome position (GRCh38, 1-based): chr3:48,566,538, C>T on the plus strand (G>A on the coding strand, the complement: COL7A1 is on the minus strand). VCF-style: chr3-48566538-C-T. GRCh37 (hg19) VCF-style: chr3-48603971-C-T.
Other names: short protein forms R2777Q.
Identifiers: ClinVar variation 1911382 (VCV001911382.3), dbSNP rs748439088, ClinGen allele CA2378067.
Genomic context (GRCh38, chr3:48,566,538, plus strand): 5'-GCCCTCCCAGGCCCATCCAGGCCCACACTCACCGTCAGTGCAGCTTCTCCCTTCTCGCCT[C>T]GAGGACCGGCAGGCCCTGGCCGCCCCTATGTGCAACAGATGGGACCAGGCTGTGACCTCT-3'
Protein context (NP_000085.1, residues 2767-2787): EQGRPGPAGP[Arg2777Gln]GEKGEAALTE

ClinVar aggregate classification (germline): Uncertain significance (1 of 4 stars; one submission).

Allele frequency attached by ClinVar (database versions not stated): ExAC 0.00001; gnomAD exomes 0.00001; TOPMed 0.00001.
gnomAD v4.1: 8 of 1,614,156 alleles (0.0005%); highest among the groups gnomAD compares: Non-Finnish European, 0.00068%; no homozygotes.

Submission:

Labcorp Genetics (formerly Invitae), Labcorp
Classification: Uncertain significance. Last evaluated: 2025-05-25. Review status: criteria provided, single submitter. Criteria: Invitae Variant Classification Sherloc (09022015). Collection method: clinical testing. Allele origin: germline.
Comment: This sequence change replaces arginine, which is basic and polar, with glutamine, which is neutral and polar, at codon 2777 of the COL7A1 protein (p.Arg2777Gln). This variant is present in population databases (rs748439088, gnomAD 0.002%). This variant has not been reported in the literature in individuals affected with COL7A1-related conditions. ClinVar contains an entry for this variant (Variation ID: 1911382). Invitae Evidence Modeling of protein sequence and biophysical properties (such as structural, functional, and spatial information, amino acid conservation, physicochemical variation, residue mobility, and thermodynamic stability) indicates that this missense variant is not expected to disrupt COL7A1 protein function with a negative predictive value of 95%. In summary, the available evidence is currently insufficient to determine the role of this variant in disease. Therefore, it has been classified as a Variant of Uncertain Significance.